The following is an entry in ClinVar:

ClinVar aggregate classification (germline): Uncertain significance. Review status: criteria provided, multiple submitters, no conflicts (2 of 4 stars). 3 submissions from 3 submitters: Uncertain significance (3). Last evaluated 2025-10-23.

Conditions:
Inborn genetic diseases. Identifiers: MedGen C0950123, MeSH D030342.
Developmental delay, hypotonia, musculoskeletal defects, and behavioral abnormalities. Identifiers: MedGen C5562012, MONDO:0859202, OMIM 619595.
Floating-Harbor syndrome (FLHS). Also called: SRCAP-Related Floating-Harbor Syndrome; Short stature with delayed bone age, expressive language delay, a triangular face with a prominent nose and deep-set eyes; Pelletier-Leisti syndrome. Identifiers: Orphanet 2044, MedGen C0729582, MONDO:0007621, OMIM 136140.

Allele frequency attached by ClinVar (database versions not stated): gnomAD 0.00001; ExAC 0.00002; gnomAD exomes 0.00002; TOPMed 0.00003.
gnomAD v4.1: 14 of 1,613,962 alleles (0.00087%); highest among the groups gnomAD compares: Admixed American, 0.018%; no homozygotes.

Submissions (3):

Labcorp Genetics (formerly Invitae), Labcorp
Classification: Uncertain significance. Last evaluated: 2025-10-23. Review status: criteria provided, single submitter. Criteria: Invitae Variant Classification Sherloc (09022015). Collection method: clinical testing. Allele origin: germline.
Comment: This sequence change replaces serine, which is neutral and polar, with threonine, which is neutral and polar, at codon 2537 of the SRCAP protein (p.Ser2537Thr). This variant is present in population databases (rs757419168, gnomAD 0.01%). This variant has not been reported in the literature in individuals affected with SRCAP-related conditions. ClinVar contains an entry for this variant (Variation ID: 2419961). Invitae Evidence Modeling of protein sequence and biophysical properties (such as structural, functional, and spatial information, amino acid conservation, physicochemical variation, residue mobility, and thermodynamic stability) indicates that this missense variant is not expected to disrupt SRCAP protein function with a negative predictive value of 80%. In summary, the available evidence is currently insufficient to determine the role of this variant in disease. Therefore, it has been classified as a Variant of Uncertain Significance.

Fulgent Genetics
Classification: Uncertain significance for Floating-Harbor syndrome; Developmental delay, hypotonia, musculoskeletal defects, and behavioral abnormalities. Last evaluated: 2024-06-20. Review status: criteria provided, single submitter. Criteria: ACMG Guidelines, 2015. Collection method: clinical testing. Allele origin: germline.

Ambry Genetics
Classification: Uncertain significance for Inborn genetic diseases. Last evaluated: 2024-05-15. Review status: criteria provided, single submitter. Criteria: Ambry Variant Classification Scheme 2023. Collection method: clinical testing. Allele origin: germline.

NM_006662.3(SRCAP):c.7609T>A (p.Ser2537Thr)

Gene: SRCAP (Snf2 related CREBBP activator protein; plus strand). Cytogenetic location: 16p11.2.
Variant type: single nucleotide variant.
Coding change: c.7609T>A on transcript NM_006662.3 (MANE Select); coding-DNA position 7609, T replaced by A.
Protein change: p.Ser2537Thr; replaces serine 2537 with threonine.
Molecular consequence: missense variant.
Genome position (GRCh38, 1-based): chr16:30,737,649, T>A. VCF-style: chr16-30737649-T-A. GRCh37 (hg19) VCF-style: chr16-30748970-T-A.
Other names: c.7609T>A (NM_006662.2); short protein forms S2537T.
Identifiers: ClinVar variation 2419961 (VCV002419961.8), dbSNP rs757419168, ClinGen allele CA8012522.